The following is an entry in ClinVar:

NM_013275.6(ANKRD11):c.164C>G (p.Ala55Gly)

Gene: ANKRD11 (ankyrin repeat domain containing 11; minus strand). Cytogenetic location: 16q24.3.
Variant type: single nucleotide variant.
Coding change: c.164C>G on transcript NM_013275.6 (MANE Select); coding-DNA position 164, C replaced by G.
Protein change: p.Ala55Gly; replaces alanine 55 with glycine.
Molecular consequence: missense variant. On other transcripts: non-coding transcript variant (1).
Genome position (GRCh38, 1-based): chr16:89,305,268, G>C on the plus strand (C>G on the coding strand, the complement: ANKRD11 is on the minus strand). VCF-style: chr16-89305268-G-C. GRCh37 (hg19) VCF-style: chr16-89371676-G-C.
Other names: c.164C>G, p.Ala55Gly (NM_001256182.2, NM_001256183.2); short protein forms A55G.
Identifiers: ClinVar variation 1777222 (VCV001777222.2), dbSNP rs2036116444, ClinGen allele CA397164173.

ClinVar aggregate classification (germline): Uncertain significance (1 of 4 stars; one submission).

Conditions:
Inborn genetic diseases. Identifiers: MedGen C0950123, MeSH D030342.

Submission:

Ambry Genetics
Classification: Uncertain significance for Inborn genetic diseases. Last evaluated: 2020-06-22. Review status: criteria provided, single submitter. Criteria: Ambry Variant Classification Scheme 2023. Collection method: clinical testing. Allele origin: germline.
Comment: The p.A55G variant (also known as c.164C>G), located in coding exon 2 of the ANKRD11 gene, results from a C to G substitution at nucleotide position 164. The alanine at codon 55 is replaced by glycine, an amino acid with similar properties. This amino acid position is not well conserved in available vertebrate species. In addition, this alteration is predicted to be tolerated by in silico analysis. Since supporting evidence is limited at this time, the clinical significance of this alteration remains unclear.